The following is an entry in ClinVar:

NM_001376.5(DYNC1H1):c.369C>T (p.Pro123=)

Gene: DYNC1H1 (dynein cytoplasmic 1 heavy chain 1; plus strand). Cytogenetic location: 14q32.31.
Variant type: single nucleotide variant.
Coding change: c.369C>T on transcript NM_001376.5 (MANE Select); coding-DNA position 369, C replaced by T.
Protein change: p.Pro123=; no amino-acid change (proline 123 retained).
Molecular consequence: synonymous variant.
Genome position (GRCh38, 1-based): chr14:101,979,343, C>T. VCF-style: chr14-101979343-C-T. GRCh37 (hg19) VCF-style: chr14-102445680-C-T.
Identifiers: ClinVar variation 434967 (VCV000434967.47), dbSNP rs372944247, ClinGen allele CA7351518.

ClinVar aggregate classification (germline): Likely benign. Review status: criteria provided, multiple submitters, no conflicts (2 of 4 stars). 7 submissions from 7 submitters: Likely benign (6). 1 of the submissions does not count toward it. Last evaluated 2025-12-21.

Conditions:
Charcot-Marie-Tooth disease axonal type 2O. Also called: Charcot-Marie-Tooth disease, axonal, type 20; CHARCOT-MARIE-TOOTH NEUROPATHY, AXONAL, TYPE 2O; CHARCOT-MARIE-TOOTH DISEASE, AXONAL, AUTOSOMAL DOMINANT, TYPE 2O; Charcot-Marie-Tooth Neuropathy Type 2O. Identifiers: Orphanet 284232, MedGen C3280220, MONDO:0013644, OMIM 614228.
DYNC1H1-related disorder. Also called: DYNC1H1-related disorders; DYNC1H1-related condition. Identifiers: MedGen CN381529.
Inborn genetic diseases. Identifiers: MedGen C0950123, MeSH D030342.

Allele frequency attached by ClinVar (database versions not stated): gnomAD exomes 0.00003 and 0.00006; ExAC 0.00007; gnomAD 0.00015 and 0.00016; TOPMed 0.00020; ESP Exome Variant Server 0.00023; 1000 Genomes Project 0.00040; 1000 Genomes Project 30x 0.00062.
gnomAD v4.1: 70 of 1,614,082 alleles (0.0043%); highest among the groups gnomAD compares: African/African-American, 0.055%; no homozygotes.

Submissions (7):

Labcorp Genetics (formerly Invitae), Labcorp
Classification: Likely benign for Charcot-Marie-Tooth disease axonal type 2O. Last evaluated: 2025-12-21. Review status: criteria provided, single submitter. Criteria: Invitae Variant Classification Sherloc (09022015). Collection method: clinical testing. Allele origin: germline.

Blueprint Genetics
Classification: Likely benign. Last evaluated: 2023-09-08. Review status: criteria provided, single submitter. Criteria: ACMG Guidelines, 2015. Collection method: clinical testing. Allele origin: germline.

CeGaT Center for Human Genetics Tuebingen
Classification: Likely benign. Last evaluated: 2022-05-01. Review status: criteria provided, single submitter. Criteria: CeGaT Center For Human Genetics Tuebingen Variant Classification Criteria Version 2. Collection method: clinical testing. Allele origin: germline. Affected: yes. Observed: 1 variant allele.
Comment: DYNC1H1: BP4, BP7

GeneDx
Classification: Likely benign. Last evaluated: 2020-10-29. Review status: criteria provided, single submitter. Criteria: GeneDx Variant Classification Process June 2021. Collection method: clinical testing. Allele origin: germline. Affected: yes.

Ambry Genetics
Classification: Likely benign for Inborn genetic diseases. Last evaluated: 2019-04-05. Review status: criteria provided, single submitter. Criteria: Ambry Variant Classification Scheme 2023. Collection method: clinical testing. Allele origin: germline.

Genetic Services Laboratory, University of Chicago
Classification: Likely benign. Last evaluated: 2016-12-17. Review status: criteria provided, single submitter. Criteria: ACMG Guidelines, 2015. Collection method: clinical testing. Allele origin: germline. Affected: no.

PreventionGenetics, part of Exact Sciences
Classification: Likely benign for DYNC1H1-related condition. Last evaluated: 2023-07-20. Review status: no assertion criteria provided. Collection method: clinical testing. Allele origin: germline. Not counted in ClinVar's aggregate classification.
Comment: This variant is classified as likely benign based on ACMG/AMP sequence variant interpretation guidelines (Richards et al. 2015 PMID: 25741868, with internal and published modifications).